The following is an entry in ClinVar:

ClinVar aggregate classification (germline): Uncertain significance (0 of 4 stars; one submission).

Conditions:
MAGEL2-related disorder. Also called: MAGEL2-related condition.

Submission:

PreventionGenetics, part of Exact Sciences
Classification: Uncertain significance for MAGEL2-related condition. Last evaluated: 2024-09-06. Review status: no assertion criteria provided. Collection method: clinical testing. Allele origin: germline.
Comment: The MAGEL2 c.380T>A variant is predicted to result in the amino acid substitution p.Val127Asp. To our knowledge, this variant has not been reported in the literature. This variant is reported in 0.014% of alleles in individuals of European (Non-Finnish) descent in gnomAD, which is likely too common for an undocumented disease-causing variant. Although we suspect that this variant may be benign, at this time, the clinical significance of this variant is uncertain due to the absence of conclusive functional and genetic evidence.

NM_019066.5(MAGEL2):c.380T>A (p.Val127Asp)

Gene: MAGEL2 (MAGE family member L2; minus strand). Cytogenetic location: 15q11.2.
Variant type: single nucleotide variant.
Coding change: c.380T>A on transcript NM_019066.5 (MANE Select); coding-DNA position 380, T replaced by A.
Protein change: p.Val127Asp; replaces valine 127 with aspartic acid.
Molecular consequence: missense variant.
Genome position (GRCh38, 1-based): chr15:23,647,363, A>T on the plus strand (T>A on the coding strand, the complement: MAGEL2 is on the minus strand). VCF-style: chr15-23647363-A-T. GRCh37 (hg19) VCF-style: chr15-23892510-A-T.
Other names: short protein forms V127D.
Identifiers: ClinVar variation 3346075 (VCV003346075.1).